The following is an entry in ClinVar:

NM_001367823.1(ARHGEF18):c.1220-3C>T

Gene: ARHGEF18 (Rho/Rac guanine nucleotide exchange factor 18; plus strand). Cytogenetic location: 19p13.2.
Variant type: single nucleotide variant.
Coding change: c.1220-3C>T on transcript NM_001367823.1 (MANE Select); 3 bases into the intron before coding-DNA position 1220, C replaced by T.
Molecular consequence: intron variant.
Genome position (GRCh38, 1-based): chr19:7,441,909, C>T. VCF-style: chr19-7441909-C-T. GRCh37 (hg19) VCF-style: chr19-7506795-C-T.
Other names: c.182-3C>T (NM_001367824.1, NM_015318.4); c.494-3C>T (NM_001130955.2).
Identifiers: ClinVar variation 1359504 (VCV001359504.6), dbSNP rs772761795, ClinGen allele CA9136407.

ClinVar aggregate classification (germline): Uncertain significance (1 of 4 stars; one submission).

Allele frequency attached by ClinVar (database versions not stated): gnomAD exomes below 0.00001 and 0.00001; TOPMed below 0.00001; ExAC 0.00001.
gnomAD v4.1: 11 of 1,614,026 alleles (0.00068%); highest among the groups gnomAD compares: Non-Finnish European, 0.00093%; no homozygotes.

Submission:

Labcorp Genetics (formerly Invitae), Labcorp
Classification: Uncertain significance. Last evaluated: 2021-08-05. Review status: criteria provided, single submitter. Criteria: Invitae Variant Classification Sherloc (09022015). Collection method: clinical testing. Allele origin: germline.
Comment: Nucleotide substitutions within the consensus splice site are a relatively common cause of aberrant splicing (PMID: 17576681, 9536098). Algorithms developed to predict the effect of sequence changes on RNA splicing suggest that this variant is not likely to affect RNA splicing. This variant has not been reported in the literature in individuals affected with ARHGEF18-related conditions. This sequence change falls in intron 2 of the ARHGEF18 gene. It does not directly change the encoded amino acid sequence of the ARHGEF18 protein. It affects a nucleotide within the consensus splice site of the intron. In summary, the available evidence is currently insufficient to determine the role of this variant in disease. Therefore, it has been classified as a Variant of Uncertain Significance. This variant is present in population databases (rs772761795, ExAC 0.001%).

Literature cited by the submitters: PubMed 17576681; PubMed 9536098.